The following is an entry in ClinVar:

NM_003091.4(SNRPB):c.73C>T (p.Arg25Trp)

Gene: SNRPB (small nuclear ribonucleoprotein polypeptides B and B1; minus strand). Cytogenetic location: 20p13.
Variant type: single nucleotide variant.
Coding change: c.73C>T on transcript NM_003091.4 (MANE Select); coding-DNA position 73, C replaced by T.
Protein change: p.Arg25Trp; replaces arginine 25 with tryptophan.
Molecular consequence: missense variant.
Genome position (GRCh38, 1-based): chr20:2,467,689, G>A on the plus strand (C>T on the coding strand, the complement: SNRPB is on the minus strand). VCF-style: chr20-2467689-G-A. GRCh37 (hg19) VCF-style: chr20-2448335-G-A.
Other names: c.73C>T, p.Arg25Trp (NM_198216.2); short protein forms R25W.
Identifiers: ClinVar variation 2501333 (VCV002501333.2), dbSNP rs759561105, ClinGen allele CA408015793.

ClinVar aggregate classification (germline): Conflicting classifications of pathogenicity. Review status: criteria provided, conflicting classifications (1 of 4 stars). 2 submissions from 2 submitters: Likely pathogenic (1); Uncertain significance (1). Last evaluated 2026-03-18.

Conditions:
Cerebro-costo-mandibular syndrome (CCMS). Also called: RIB GAP DEFECTS WITH MICROGNATHIA; Cerebrocostomandibular syndrome. Identifiers: Orphanet 1393, MedGen C0265342, MONDO:0007301, OMIM 117650.

Allele frequency attached by ClinVar (database versions not stated): gnomAD exomes below 0.00001.
gnomAD v4.1: 2 of 1,613,874 alleles (0.00012%); highest among the groups gnomAD compares: Non-Finnish European, 0.00017%; no homozygotes.

Submissions (2):

Laboratorio de Genetica e Diagnostico Molecular, Hospital Israelita Albert Einstein
Classification: Uncertain significance for Cerebro-costo-mandibular syndrome. Last evaluated: 2026-03-18. Review status: criteria provided, single submitter. Criteria: ACMG Guidelines, 2015. Collection method: clinical testing. Allele origin: germline. Affected: yes.
Comment: ACMG classification criteria: PS4 supporting, PM2 supporting

GeneDx
Classification: Likely pathogenic. Last evaluated: 2023-05-06. Review status: criteria provided, single submitter. Criteria: GeneDx Variant Classification Process June 2021. Collection method: clinical testing. Allele origin: germline. Affected: yes.
Comment: Not observed in large population cohorts (gnomAD); In silico analysis supports that this missense variant has a deleterious effect on protein structure/function; Has not been previously published as pathogenic or benign to our knowledge